The following is an entry in ClinVar:

NM_000093.5(COL5A1):c.3750C>G (p.Pro1250=)

Gene: COL5A1 (collagen type V alpha 1 chain; plus strand). Cytogenetic location: 9q34.3.
Variant type: single nucleotide variant.
Coding change: c.3750C>G on transcript NM_000093.5 (MANE Select); coding-DNA position 3750, C replaced by G.
Protein change: p.Pro1250=; no amino-acid change (proline 1250 retained).
Molecular consequence: synonymous variant.
Genome position (GRCh38, 1-based): chr9:134,812,610, C>G. VCF-style: chr9-134812610-C-G. GRCh37 (hg19) VCF-style: chr9-137704456-C-G.
Other names: c.3750C>G, p.Pro1250= (NM_001278074.1).
Identifiers: ClinVar variation 382852 (VCV000382852.17), dbSNP rs192806271, ClinGen allele CA5320026.

ClinVar aggregate classification (germline): Likely benign. Review status: criteria provided, multiple submitters, no conflicts (2 of 4 stars). 4 submissions from 4 submitters: Likely benign (3). 1 of the submissions does not count toward it. Last evaluated 2025-04-09.

Conditions:
Familial thoracic aortic aneurysm and aortic dissection (TAAD). Also called: Thoracic aortic aneurysms and dissections. Identifiers: Orphanet 91387, MedGen C4707243, MONDO:0019625.
COL5A1-related disorder. Also called: COL5A1-related condition.
Ehlers-Danlos syndrome, classic type, 1 (EDSCL1). Also called: EHLERS-DANLOS SYNDROME, GRAVIS TYPE; EHLERS-DANLOS SYNDROME, SEVERE CLASSIC TYPE; Ehlers-Danlos Syndrome, Classic Type, COL5A1-Related; EDS I; Ehlers-Danlos syndrome, type 1. Identifiers: MedGen C0268335, MONDO:0019567, OMIM 130000.

Allele frequency attached by ClinVar (database versions not stated): gnomAD 0.00011 and 0.00013; TOPMed 0.00020; 1000 Genomes Project 0.00040; gnomAD exomes 0.00002; 1000 Genomes Project 30x 0.00031; ExAC 0.00005.
gnomAD v4.1: 53 of 1,606,250 alleles (0.0033%); highest among the groups gnomAD compares: African/African-American, 0.04%; no homozygotes.

Submissions (4):

Labcorp Genetics (formerly Invitae), Labcorp
Classification: Likely benign for Ehlers-Danlos syndrome, classic type, 1. Last evaluated: 2025-04-09. Review status: criteria provided, single submitter. Criteria: Invitae Variant Classification Sherloc (09022015). Collection method: clinical testing. Allele origin: germline.

Ambry Genetics
Classification: Likely benign for Familial thoracic aortic aneurysm and aortic dissection. Last evaluated: 2022-08-17. Review status: criteria provided, single submitter. Criteria: Ambry Variant Classification Scheme 2023. Collection method: clinical testing. Allele origin: germline.

GeneDx
Classification: Likely benign. Last evaluated: 2017-07-14. Review status: criteria provided, single submitter. Criteria: GeneDx Variant Classification (06012015). Collection method: clinical testing. Allele origin: germline. Affected: yes.
Comment: This variant is considered likely benign or benign based on one or more of the following criteria: it is a conservative change, it occurs at a poorly conserved position in the protein, it is predicted to be benign by multiple in silico algorithms, and/or has population frequency not consistent with disease.

PreventionGenetics, part of Exact Sciences
Classification: Likely benign for COL5A1-related condition. Last evaluated: 2023-01-31. Review status: no assertion criteria provided. Collection method: clinical testing. Allele origin: germline. Not counted in ClinVar's aggregate classification.
Comment: This variant is classified as likely benign based on ACMG/AMP sequence variant interpretation guidelines (Richards et al. 2015 PMID: 25741868, with internal and published modifications).